The following is an entry in ClinVar:

NM_006158.5(NEFL):c.229G>C (p.Ala77Pro)

Gene: NEFL (neurofilament light chain; minus strand). Cytogenetic location: 8p21.2.
Variant type: single nucleotide variant.
Coding change: c.229G>C on transcript NM_006158.5 (MANE Select); coding-DNA position 229, G replaced by C.
Protein change: p.Ala77Pro; replaces alanine 77 with proline.
Molecular consequence: missense variant.
Genome position (GRCh38, 1-based): chr8:24,956,287, C>G on the plus strand (G>C on the coding strand, the complement: NEFL is on the minus strand). VCF-style: chr8-24956287-C-G. GRCh37 (hg19) VCF-style: chr8-24813801-C-G.
Other names: short protein forms A77P.
Identifiers: ClinVar variation 1721775 (VCV001721775.5), dbSNP rs1307547516, ClinGen allele CA370623125.

ClinVar aggregate classification (germline): Uncertain significance (1 of 4 stars; one submission).

Conditions:
Charcot-Marie-Tooth disease type 2E (CMT2E). Also called: CHARCOT-MARIE-TOOTH DISEASE, AXONAL, TYPE 2E; CHARCOT-MARIE-TOOTH NEUROPATHY, TYPE 2E. Identifiers: Orphanet 99939, MedGen C1843225, MONDO:0011894, OMIM 607684.

Submission:

Labcorp Genetics (formerly Invitae), Labcorp
Classification: Uncertain significance for Charcot-Marie-Tooth disease type 2E. Last evaluated: 2022-10-18. Review status: criteria provided, single submitter. Criteria: Invitae Variant Classification Sherloc (09022015). Collection method: clinical testing. Allele origin: germline.
Comment: In summary, the available evidence is currently insufficient to determine the role of this variant in disease. Therefore, it has been classified as a Variant of Uncertain Significance. Advanced modeling of protein sequence and biophysical properties (such as structural, functional, and spatial information, amino acid conservation, physicochemical variation, residue mobility, and thermodynamic stability) performed at Invitae indicates that this missense variant is not expected to disrupt NEFL protein function. This variant has not been reported in the literature in individuals affected with NEFL-related conditions. This variant is not present in population databases (gnomAD no frequency). This sequence change replaces alanine, which is neutral and non-polar, with proline, which is neutral and non-polar, at codon 77 of the NEFL protein (p.Ala77Pro).